The following is an entry in ClinVar:

ClinVar aggregate classification (germline): Conflicting classifications of pathogenicity. Review status: criteria provided, conflicting classifications (1 of 4 stars). 8 submissions from 8 submitters: Uncertain significance (2); Likely benign (3). 3 of the submissions do not count toward it. Last evaluated 2026-01-27.

Conditions:
TMEM231-related disorder. Also called: TMEM231-related condition.
Joubert syndrome 20 (JBTS20). Identifiers: Orphanet 475, MedGen C3554235, MONDO:0013994, OMIM 614970.
Meckel syndrome, type 11 (MKS11). Identifiers: Orphanet 564, MedGen C3809352, MONDO:0014164, OMIM 615397.

Allele frequency attached by ClinVar (database versions not stated): ExAC 0.00107; gnomAD exomes 0.00107 and 0.00151; ESP Exome Variant Server 0.00114; TOPMed 0.00125; gnomAD 0.00133 and 0.00141.
gnomAD v4.1: 2,376 of 1,612,202 alleles (0.15%); highest among the groups gnomAD compares: Non-Finnish European, 0.18%; 4 homozygotes.

Submissions (8):

Labcorp Genetics (formerly Invitae), Labcorp
Classification: Likely benign for Joubert syndrome 20; Meckel syndrome, type 11. Last evaluated: 2026-01-27. Review status: criteria provided, single submitter. Criteria: Invitae Variant Classification Sherloc (09022015). Collection method: clinical testing. Allele origin: germline.

GeneDx
Classification: Uncertain significance. Last evaluated: 2024-12-13. Review status: criteria provided, single submitter. Criteria: GeneDx Variant Classification Process June 2021. Collection method: clinical testing. Allele origin: germline. Affected: yes.
Comment: In silico analysis supports that this missense variant has a deleterious effect on protein structure/function; Has not been previously published as pathogenic or benign to our knowledge

Blueprint Genetics
Classification: Likely benign. Last evaluated: 2024-11-27. Review status: criteria provided, single submitter. Criteria: ACMG Guidelines, 2015. Collection method: clinical testing. Allele origin: germline.

CeGaT Center for Human Genetics Tuebingen
Classification: Likely benign. Last evaluated: 2022-04-01. Review status: criteria provided, single submitter. Criteria: CeGaT Center For Human Genetics Tuebingen Variant Classification Criteria Version 2. Collection method: clinical testing. Allele origin: germline. Affected: yes. Observed: 1 variant allele.
Comment: TMEM231: BP4

Fulgent Genetics
Classification: Uncertain significance for Joubert syndrome 20; Meckel syndrome, type 11. Last evaluated: 2018-10-31. Review status: criteria provided, single submitter. Criteria: ACMG Guidelines, 2015. Collection method: clinical testing. Allele origin: unknown.

PreventionGenetics, part of Exact Sciences
Classification: Likely benign for TMEM231-related condition. Last evaluated: 2022-08-09. Review status: no assertion criteria provided. Collection method: clinical testing. Allele origin: germline. Not counted in ClinVar's aggregate classification.
Comment: This variant is classified as likely benign based on ACMG/AMP sequence variant interpretation guidelines (Richards et al. 2015 PMID: 25741868, with internal and published modifications).

Clinical Genetics DNA and cytogenetics Diagnostics Lab, Erasmus MC, Erasmus Medical Center
Classification: Uncertain significance. Review status: no assertion criteria provided. Collection method: clinical testing. Allele origin: germline. Affected: yes. Study: VKGL Data-share Consensus. Not counted in ClinVar's aggregate classification.

Joint Genome Diagnostic Labs from Nijmegen and Maastricht, Radboudumc and MUMC+
Classification: Uncertain significance. Review status: no assertion criteria provided. Collection method: clinical testing. Allele origin: germline. Affected: yes. Study: VKGL Data-share Consensus. Not counted in ClinVar's aggregate classification.

NM_001077418.3(TMEM231):c.710G>C (p.Arg237Thr)

Gene: TMEM231 (transmembrane protein 231; minus strand). Cytogenetic location: 16q23.1.
Variant type: single nucleotide variant.
Coding change: c.710G>C on transcript NM_001077418.3 (MANE Select); coding-DNA position 710, G replaced by C.
Protein change: p.Arg237Thr; replaces arginine 237 with threonine.
Molecular consequence: missense variant. On other transcripts: non-coding transcript variant (1).
Genome position (GRCh38, 1-based): chr16:75,541,410, C>G on the plus strand (G>C on the coding strand, the complement: TMEM231 is on the minus strand). VCF-style: chr16-75541410-C-G. GRCh37 (hg19) VCF-style: chr16-75575308-C-G.
Other names: c.869G>C, p.Arg290Thr (NM_001077416.2); short protein forms R290T, R237T.
Identifiers: ClinVar variation 570416 (VCV000570416.52), dbSNP rs199813223, ClinGen allele CA8176066.